The following is an entry in ClinVar:

NM_006361.6(HOXB13):c.610G>C (p.Gly204Arg)

Gene: HOXB13 (homeobox B13; minus strand). Cytogenetic location: 17q21.32.
Variant type: single nucleotide variant.
Coding change: c.610G>C on transcript NM_006361.6 (MANE Select); coding-DNA position 610, G replaced by C.
Protein change: p.Gly204Arg; replaces glycine 204 with arginine.
Molecular consequence: missense variant.
Genome position (GRCh38, 1-based): chr17:48,727,035, C>G on the plus strand (G>C on the coding strand, the complement: HOXB13 is on the minus strand). VCF-style: chr17-48727035-C-G. GRCh37 (hg19) VCF-style: chr17-46804397-C-G.
Other names: short protein forms G204R.
Identifiers: ClinVar variation 483513 (VCV000483513.15), dbSNP rs1014715541, ClinGen allele CA400107060.

ClinVar aggregate classification (germline): Uncertain significance. Review status: criteria provided, multiple submitters, no conflicts (2 of 4 stars). 3 submissions from 3 submitters: Uncertain significance (3). Last evaluated 2026-03-19.

Conditions:
HOXB13-related disorder. Also called: HOXB13-related disorders; HOXB13-related condition.
Hereditary cancer-predisposing syndrome. Also called: Neoplastic Syndromes, Hereditary; Hereditary Cancer Syndrome; Tumor predisposition; Hereditary neoplastic syndrome. Identifiers: Orphanet 140162, MedGen C0027672, MeSH D009386, MONDO:0015356.

Submissions (3):

PreventionGenetics, part of Exact Sciences
Classification: Uncertain significance for HOXB13-related condition. Last evaluated: 2026-03-19. Review status: criteria provided, single submitter. Criteria: ACMG Guidelines, 2015. Collection method: clinical testing. Allele origin: germline.
Comment: The HOXB13 c.610G>C variant is predicted to result in the amino acid substitution p.Gly204Arg. To our knowledge, this variant has not been reported in the literature. This variant is reported in 3 alleles out of 1606692 alleles in gnomAD and is interpreted as uncertain in ClinVar (Variation ID: 483513). At this time, the clinical significance of this variant is uncertain due to the absence of conclusive functional and genetic evidence.

Labcorp Genetics (formerly Invitae), Labcorp
Classification: Uncertain significance. Last evaluated: 2025-12-24. Review status: criteria provided, single submitter. Criteria: Invitae Variant Classification Sherloc (09022015). Collection method: clinical testing. Allele origin: germline.
Comment: This sequence change replaces glycine, which is neutral and non-polar, with arginine, which is basic and polar, at codon 204 of the HOXB13 protein (p.Gly204Arg). This variant is not present in population databases (gnomAD no frequency). This variant has not been reported in the literature in individuals affected with HOXB13-related conditions. ClinVar contains an entry for this variant (Variation ID: 483513). Invitae Evidence Modeling of protein sequence and biophysical properties (such as structural, functional, and spatial information, amino acid conservation, physicochemical variation, residue mobility, and thermodynamic stability) indicates that this missense variant is not expected to disrupt HOXB13 protein function with a negative predictive value of 80%. In summary, the available evidence is currently insufficient to determine the role of this variant in disease. Therefore, it has been classified as a Variant of Uncertain Significance.

Ambry Genetics
Classification: Uncertain significance for Hereditary cancer-predisposing syndrome. Last evaluated: 2025-05-28. Review status: criteria provided, single submitter. Criteria: Ambry Variant Classification Scheme 2023. Collection method: clinical testing. Allele origin: germline.
Comment: The p.G204R variant (also known as c.610G>C), located in coding exon 2 of the HOXB13 gene, results from a G to C substitution at nucleotide position 610. The glycine at codon 204 is replaced by arginine, an amino acid with dissimilar properties. This amino acid position is poorly conserved in available vertebrate species. In addition, this alteration is predicted to be tolerated by in silico analysis. Since supporting evidence is limited at this time, the clinical significance of this alteration remains unclear.